The following is an entry in ClinVar:

NM_000834.5(GRIN2B):c.512T>A (p.Ile171Asn)

Gene: GRIN2B (glutamate ionotropic receptor NMDA type subunit 2B; minus strand). Cytogenetic location: 12p13.1.
Variant type: single nucleotide variant.
Coding change: c.512T>A on transcript NM_000834.5 (MANE Select); coding-DNA position 512, T replaced by A.
Protein change: p.Ile171Asn; replaces isoleucine 171 with asparagine.
Molecular consequence: missense variant.
Genome position (GRCh38, 1-based): chr12:13,753,815, A>T on the plus strand (T>A on the coding strand, the complement: GRIN2B is on the minus strand). VCF-style: chr12-13753815-A-T. GRCh37 (hg19) VCF-style: chr12-13906749-A-T.
Other names: c.512T>A, p.Ile171Asn (NM_001413992.1, NM_001413993.1, NM_001413994.1 and 1 more transcripts); short protein forms I171N.
Identifiers: ClinVar variation 2412914 (VCV002412914.3), dbSNP rs2497778271, ClinGen allele CA384054558.

ClinVar aggregate classification (germline): Uncertain significance (1 of 4 stars; one submission).

Submission:

GeneDx
Classification: Uncertain significance. Last evaluated: 2022-07-28. Review status: criteria provided, single submitter. Criteria: GeneDx Variant Classification Process June 2021. Collection method: clinical testing. Allele origin: germline. Affected: yes.
Comment: Not observed at significant frequency in large population cohorts (gnomAD); In silico analysis supports that this missense variant has a deleterious effect on protein structure/function; Has not been previously published as pathogenic or benign to our knowledge